The following is an entry in ClinVar:

ClinVar aggregate classification (germline): Pathogenic/Likely pathogenic. Review status: criteria provided, multiple submitters, no conflicts (2 of 4 stars). 17 submissions from 17 submitters: Pathogenic (10); Likely pathogenic (3). 4 of the submissions do not count toward it. Last evaluated 2025-11-24.

Conditions:
Gastric cancer. Also called: Malignant tumor of stomach; Stomach cancer. Identifiers: MedGen C0024623, MeSH D013274, MONDO:0001056, OMIM 613659, HP:0012126.
Prostate cancer. Also called: Malignant tumor of prostate. Identifiers: Orphanet 1331, MedGen C0376358, MONDO:0008315, HP:0012125.
Glioma susceptibility 3 (GLM3). Also called: Glioblastoma 3. Identifiers: Orphanet 182067, Orphanet 360, MedGen C2751641, MONDO:0013093, OMIM 613029.
Pancreatic cancer, susceptibility to, 2. Identifiers: Orphanet 1333, MedGen C3150546, MONDO:0013235, OMIM 613347.
Medulloblastoma (MDB). Also called: MEDULLOBLASTOMA PREDISPOSITION SYNDROME; Medulloblastoma, somatic. Identifiers: Orphanet 616, MedGen C0025149, MeSH D008527, MONDO:0007959, OMIM 155255, HP:0002885.
Breast-ovarian cancer, familial, susceptibility to, 2 (BROVCA2). Also called: BRCA2 Hereditary Breast and Ovarian Cancer. Identifiers: Orphanet 145, MedGen C2675520, MONDO:0012933, OMIM 612555. Disease mechanism: loss of function.
Familial cancer of breast. Also called: Hereditary breast cancer; hereditary breast carcinoma; BREAST CANCER, FAMILIAL. Identifiers: Orphanet 227535, MedGen C0346153, MONDO:0016419, OMIM 114480. Disease mechanism: loss of function.
Wilms tumor 1 (WT1). Also called: Wilms tumor, somatic. Identifiers: Orphanet 654, MedGen CN033288, MONDO:0008679, OMIM 194070.
Fanconi anemia complementation group D1. Also called: BRCA2-Related Fanconi Anemia. Identifiers: Orphanet 319462, MedGen C1838457, MONDO:0011584, OMIM 605724.
Hereditary cancer-predisposing syndrome. Also called: Neoplastic Syndromes, Hereditary; Tumor predisposition; Hereditary neoplastic syndrome; Hereditary Cancer Syndrome. Identifiers: Orphanet 140162, MedGen C0027672, MeSH D009386, MONDO:0015356.
Hereditary breast ovarian cancer syndrome. Also called: Breast and ovarian cancer; BRCA1- and BRCA2-Associated Hereditary Breast and Ovarian Cancer; Hereditary breast and/or ovarian cancer syndrome; Hereditary breast and ovarian cancer syndrome; Hereditary breast and ovarian cancer; Hereditary breast and ovarian cancer syndrome (HBOC). Identifiers: Orphanet 145, MedGen C0677776, MeSH D061325, MONDO:0003582. Disease mechanism: loss of function.
Breast-ovarian cancer, familial, susceptibility to, 1 (BROVCA1). Also called: BRCA1 Hereditary Breast and Ovarian Cancer; OVARIAN CANCER, SUSCEPTIBILITY TO. Identifiers: Orphanet 145, MedGen C2676676, MONDO:0011450, OMIM 604370. Disease mechanism: loss of function.

Allele frequency attached by ClinVar (database versions not stated): gnomAD exomes below 0.00001; TOPMed below 0.00001.
gnomAD v4.1: 1 of 1,609,110 alleles (0.000062%); highest among the groups gnomAD compares: Non-Finnish European, 0.000085%; no homozygotes.

Submissions 1 to 7 of 17:

Labcorp Genetics (formerly Invitae), Labcorp
Classification: Pathogenic for Hereditary breast ovarian cancer syndrome. Last evaluated: 2025-11-24. Review status: criteria provided, single submitter. Criteria: Invitae Variant Classification Sherloc (09022015). Collection method: clinical testing. Allele origin: germline.
Comment: This sequence change affects a donor splice site in intron 10 of the BRCA2 gene. RNA analysis indicates that disruption of this splice site induces altered splicing and may result in an absent or altered protein product. This variant is not present in population databases (gnomAD no frequency). Disruption of this splice site has been observed in individual(s) with clinical features of BRCA2-related conditions (PMID: 24830819, 26296696, 26845104, 29446198, 30103829, 31343793). ClinVar contains an entry for this variant (Variation ID: 141283). Studies have shown that disruption of this splice site results in skipping of exons 9-10, and produces a non-functional protein and/or introduces a premature termination codon (PMID: 31343793; internal data). For these reasons, this variant has been classified as Pathogenic.

Ambry Genetics
Classification: Likely pathogenic for Hereditary cancer-predisposing syndrome. Last evaluated: 2025-09-04. Review status: criteria provided, single submitter. Criteria: Ambry Variant Classification Scheme 2023. Collection method: clinical testing. Allele origin: germline.
Comment: The c.1909+1G>A intronic variant results from a G to A substitution one nucleotide after coding exon 9 of the BRCA2 gene. This alteration has been reported in multiple individuals diagnosed with breast and/or ovarian cancer (Chong HK et al. PLoS ONE. 2014 May;9:e97408; Minucci A et al. Expert Rev Mol Diagn, 2015 Aug;15:1383-403; Frey MK et al. Gynecol. Oncol. 2015 Nov;139:211-5; Shirts BH et al. Genet Med, 2016 10;18:974-81). This alteration has also been reported in an individual diagnosed with breast and ovarian cancer who also carries the BRCA1 c.-19-?_80+?del alteration (Cardoso FC et al. Hum Genomics, 2018 08;12:39). Additionally, this alteration has been identified in a large, worldwide study of BRCA1/2 mutation positive families (Rebbeck TR et al. Hum. Mutat. 2018 05;39:593-620). RNA assays have shown this alteration to cause the skipping of coding exons 8 and 9 (total exons 9 and 10 in literature), which leads to a transcript that will undergo nonsense-mediated decay (Ambry internal data; Montalban G. et al J Med Genet 2019 02;56(2):63-74.). This nucleotide position is highly conserved in available vertebrate species. In silico splice site analysis predicts that this alteration will weaken the native splice donor site. This variant is considered to be rare based on population cohorts in the Genome Aggregation Database (gnomAD). Based on the majority of available evidence to date, this variant is likely to be pathogenic.

Quest Diagnostics Nichols Institute San Juan Capistrano
Classification: Pathogenic. Last evaluated: 2024-12-30. Review status: criteria provided, single submitter. Criteria: Quest Diagnostics criteria. Collection method: clinical testing. Allele origin: unknown.
Comment: The BRCA2 c.1909+1G>A variant (also known as IVS10+1G>A) disrupts a canonical splice-donor site and interferes with normal BRCA2 mRNA splicing. An RNA study showed this variant causes an out-of-frame skipping of exons 9-10 in the affected transcript (PMID: 31343793 (2019)). This variant has been reported in individuals with breast/ovarian cancer (PMIDs: 36367610 (2023), 30103829 (2018), 26845104 (2016), 26296696 (2015)) and pancreatic cancer (PMID: 32073954 (2020)). This variant has not been reported in large, multi-ethnic general populations (Genome Aggregation Database). Based on the available information, this variant is classified as pathogenic.

Baylor Genetics
Classification: Pathogenic for Familial cancer of breast. Last evaluated: 2024-03-05. Review status: criteria provided, single submitter. Criteria: ACMG Guidelines, 2015. Collection method: clinical testing. Allele origin: unknown.

Color Diagnostics, LLC DBA Color Health
Classification: Pathogenic for Hereditary cancer-predisposing syndrome. Last evaluated: 2023-12-29. Review status: criteria provided, single submitter. Criteria: ACMG Guidelines, 2015. Collection method: clinical testing. Allele origin: germline.
Comment: This variant causes a G to A nucleotide substitution at the +1 position of intron 10 of the BRCA2 gene. Splice site prediction tools predict that this variant may have a significant impact on RNA splicing. A functional study reports exon 9-10 skipping in 63.2% of transcripts resulting in a premature stop signal. This variant has been reported in individuals affected with breast or ovarian cancer, (PMID: 26296696, 26681678, 26845104, 28495237, 30103829, 30472649) an individual affected with pancreatic cancer (PMID: 32073954) and an unaffected individual (PMID: 33471991; Leiden Open Variation Database DB-ID BRCA2_002958). This variant has not been identified in the general population by the Genome Aggregation Database (gnomAD). Loss of BRCA2 function is a known mechanism of disease. Based on the available evidence, this variant is classified as Pathogenic.

ARUP Laboratories, Molecular Genetics and Genomics, ARUP Laboratories
Classification: Pathogenic. Last evaluated: 2023-03-06. Review status: criteria provided, single submitter. Criteria: ARUP Molecular Germline Variant Investigation Process 2024. Collection method: clinical testing. Allele origin: germline.
Comment: The BRCA2 c.1909+1G>A variant (rs587781629) is reported in the literature in individuals with a personal and/or family history of breast or ovarian cancer (Frey 2015, Minucci 2015, Shirts 2016). This variant is absent from general population databases (Exome Variant Server, Genome Aggregation Database), indicating it is not a common polymorphism. This variant disrupts the canonical splice donor site of intron 10, which is likely to negatively impact gene function. Consistent with pedictions, functional studies suggest this variant causes skipping of exons 9 and 10, leading to a frameshift (Montalban 2019). Based on available information, this variant is considered to be pathogenic. References: Frey MK et al. Rescreening for genetic mutations using multi-gene panel testing in patients who previously underwent non-informative genetic screening. Gynecol Oncol. 2015 Nov;139(2):211-5. PMID: 26296696. Minucci A et al. Clinical impact on ovarian cancer patients of massive parallel sequencing for BRCA mutation detection: the experience at Gemelli hospital and a literature review. Expert Rev Mol Diagn. 2015;15(10):1383-403. PMID: 26306726. Montalban G et al. Incorporation of semi-quantitative analysis of splicing alterations for the clinical interpretation of variants in BRCA1 and BRCA2 genes. Hum Mutat. 2019 Dec;40(12):2296-2317. PMID: 31343793. Shirts BH et al. Improving performance of multigene panels for genomic analysis of cancer predisposition. Genet Med. 2016 Oct;18(10):974-81. PMID: 26845104.

Fulgent Genetics
Classification: Pathogenic for Familial cancer of breast; Medulloblastoma; Familial prostate cancer; Wilms tumor 1; Fanconi anemia complementation group D1; Breast-ovarian cancer, familial, susceptibility to, 2; Glioma susceptibility 3; Pancreatic cancer, susceptibility to, 2. Last evaluated: 2022-04-04. Review status: criteria provided, single submitter. Criteria: ACMG Guidelines, 2015. Collection method: clinical testing. Allele origin: unknown.

NM_000059.4(BRCA2):c.1909+1G>A

Gene: BRCA2 (BRCA2 DNA repair associated; plus strand). Cytogenetic location: 13q13.1.
Variant type: single nucleotide variant.
Coding change: c.1909+1G>A on transcript NM_000059.4 (MANE Select); the canonical splice donor site of the intron after coding-DNA position 1909, G replaced by A.
Molecular consequence: splice donor variant. On other transcripts: intron variant (1).
Genome position (GRCh38, 1-based): chr13:32,333,388, G>A. VCF-style: chr13-32333388-G-A. GRCh37 (hg19) VCF-style: chr13-32907525-G-A.
Other names: c.1909+1G>A (NM_001406720.1, NM_001406719.1, NM_001406721.1); c.424+2358G>A (NM_001406722.1).
Identifiers: ClinVar variation 141283 (VCV000141283.54), dbSNP rs587781629, ClinGen allele CA013828.